The following is an entry in ClinVar:

ClinVar aggregate classification (germline): Uncertain significance (1 of 4 stars; one submission).

Conditions:
Factor H deficiency (CFHD). Also called: COMPLEMENT FACTOR H DEFICIENCY; CFH DEFICIENCY. Identifiers: Orphanet 200421, MedGen C0398777, MONDO:0012350, OMIM 609814.

gnomAD v4.1: 10 of 1,613,072 alleles (0.00062%); highest among the groups gnomAD compares: Non-Finnish European, 0.00085%; no homozygotes.

Submission:

Genomenon, Inc
Classification: Uncertain significance for Factor H deficiency. Last evaluated: 2026-09-17. Review status: criteria provided, single submitter. Criteria: Genomenon Sequence Variant Interpretation Standards - Updated. Collection method: curation. Allele origin: germline. Affected: yes.
Comment: CFH p.Lys331Glu (c.991A>G) is a missense variant that changes the amino acid at codon 331 from lysine to glutamic acid. This variant has been observed in at least one proband affected with complement factor H deficiency (PMID: 28941939). Functional studies have been reported (PMID: 28941939). It is absent or not present at a significant frequency in gnomAD. In silico models predict that this variant is not damaging. In conclusion, we classify CFH p.Lys331Glu (c.991A>G) as a variant of uncertain significance.

Literature cited by the submitters: PubMed 28941939.

NM_000186.4(CFH):c.991A>G (p.Lys331Glu)

Gene: CFH (complement factor H; plus strand). Cytogenetic location: 1q31.3.
Variant type: single nucleotide variant.
Coding change: c.991A>G on transcript NM_000186.4 (MANE Select); coding-DNA position 991, A replaced by G.
Protein change: p.Lys331Glu; replaces lysine 331 with glutamic acid.
Molecular consequence: missense variant.
Genome position (GRCh38, 1-based): chr1:196,689,446, A>G. VCF-style: chr1-196689446-A-G. GRCh37 (hg19) VCF-style: chr1-196658576-A-G.
Other names: c.991A>G, p.Lys331Glu (NM_001014975.3); short protein forms K331E.
Identifiers: ClinVar variation 4291341 (VCV004291341.2).